The following is an entry in ClinVar:

ClinVar aggregate classification (germline): Benign/Likely benign. Review status: criteria provided, multiple submitters, no conflicts (2 of 4 stars). 3 submissions from 3 submitters: Benign (1); Likely benign (2). Last evaluated 2025-02-18.

Conditions:
Tuberous sclerosis 1 (TSC1). Identifiers: Orphanet 805, MedGen C1854465, MONDO:0008612, OMIM 191100.

Allele frequency attached by ClinVar (database versions not stated): ExAC 0.00003; gnomAD exomes 0.00003 and 0.00004.
gnomAD v4.1: 40 of 1,614,006 alleles (0.0025%); highest among the groups gnomAD compares: South Asian, 0.043%; no homozygotes.

Submissions (3):

Labcorp Genetics (formerly Invitae), Labcorp
Classification: Likely benign for Tuberous sclerosis 1. Last evaluated: 2025-02-18. Review status: criteria provided, single submitter. Criteria: Invitae Variant Classification Sherloc (09022015). Collection method: clinical testing. Allele origin: germline.

Myriad Genetics, Inc.
Classification: Benign for Tuberous sclerosis 1. Last evaluated: 2024-09-05. Review status: criteria provided, single submitter. Criteria: Myriad Autosomal Dominant, Autosomal Recessive and X-Linked Classification Criteria (2023). Collection method: clinical testing. Allele origin: unknown.
Comment: This variant is considered benign. This variant is intronic and is not expected to impact mRNA splicing. This variant has been observed at a population frequency that is significantly greater than expected given the associated disease prevalence and penetrance.

Blueprint Genetics
Classification: Likely benign. Last evaluated: 2023-09-20. Review status: criteria provided, single submitter. Criteria: ACMG Guidelines, 2015. Collection method: clinical testing. Allele origin: germline.

NM_000368.5(TSC1):c.211-18G>C

Gene: TSC1 (TSC complex subunit 1; minus strand). Cytogenetic location: 9q34.13.
Variant type: single nucleotide variant.
Coding change: c.211-18G>C on transcript NM_000368.5 (MANE Select); 18 bases into the intron before coding-DNA position 211, G replaced by C.
Molecular consequence: intron variant.
Genome position (GRCh38, 1-based): chr9:132,925,757, C>G on the plus strand (G>C on the coding strand, the complement: TSC1 is on the minus strand). VCF-style: chr9-132925757-C-G. GRCh37 (hg19) VCF-style: chr9-135801144-C-G.
Other names: c.-153-18G>C (NM_001362177.2); c.210+1444G>C (NM_001162427.2); c.211-18G>C (NM_001162426.2).
Identifiers: ClinVar variation 1540056 (VCV001540056.10), dbSNP rs751712867, ClinGen allele CA031407.